The following is an entry in ClinVar:

NM_004484.4(GPC3):c.1429T>A (p.Ser477Thr)

Gene: GPC3 (glypican 3; minus strand). Cytogenetic location: Xq26.2.
Variant type: single nucleotide variant.
Coding change: c.1429T>A on transcript NM_004484.4 (MANE Select); coding-DNA position 1429, T replaced by A.
Protein change: p.Ser477Thr; replaces serine 477 with threonine.
Molecular consequence: missense variant.
Genome position (GRCh38, 1-based): chrX:133,596,584, A>T on the plus strand (T>A on the coding strand, the complement: GPC3 is on the minus strand). VCF-style: chrX-133596584-A-T. GRCh37 (hg19) VCF-style: chrX-132730612-A-T.
Other names: c.1498T>A, p.Ser500Thr (NM_001164617.2); c.1381T>A, p.Ser461Thr (NM_001164618.2); c.1267T>A, p.Ser423Thr (NM_001164619.2); short protein forms S423T, S477T, S461T, S500T.
Identifiers: ClinVar variation 939677 (VCV000939677.10), dbSNP rs2069919041, ClinGen allele CA414701722.

ClinVar aggregate classification (germline): Uncertain significance (1 of 4 stars; one submission).

Conditions:
Wilms tumor 1 (WT1). Also called: Wilms tumor, somatic. Identifiers: Orphanet 654, MedGen CN033288, MONDO:0008679, OMIM 194070.

Allele frequency attached by ClinVar (database versions not stated): gnomAD exomes below 0.00001.
gnomAD v4.1: 2 of 1,211,097 alleles (0.00017%); highest among the groups gnomAD compares: Non-Finnish European, 0.00022%; no homozygotes.

Submission:

Labcorp Genetics (formerly Invitae), Labcorp
Classification: Uncertain significance for Wilms tumor 1. Last evaluated: 2023-02-03. Review status: criteria provided, single submitter. Criteria: Invitae Variant Classification Sherloc (09022015). Collection method: clinical testing. Allele origin: germline.
Comment: Advanced modeling of protein sequence and biophysical properties (such as structural, functional, and spatial information, amino acid conservation, physicochemical variation, residue mobility, and thermodynamic stability) performed at Invitae indicates that this missense variant is not expected to disrupt GPC3 protein function. This variant has not been reported in the literature in individuals affected with GPC3-related conditions. ClinVar contains an entry for this variant (Variation ID: 939677). In summary, the available evidence is currently insufficient to determine the role of this variant in disease. Therefore, it has been classified as a Variant of Uncertain Significance. This sequence change replaces serine, which is neutral and polar, with threonine, which is neutral and polar, at codon 477 of the GPC3 protein (p.Ser477Thr). This variant is not present in population databases (gnomAD no frequency).